The following is an entry in ClinVar:

ClinVar aggregate classification (germline): Uncertain significance (1 of 4 stars; one submission).

Submission:

Labcorp Genetics (formerly Invitae), Labcorp
Classification: Uncertain significance. Last evaluated: 2024-05-14. Review status: criteria provided, single submitter. Criteria: Invitae Variant Classification Sherloc (09022015). Collection method: clinical testing. Allele origin: germline.
Comment: This sequence change replaces glutamic acid, which is acidic and polar, with lysine, which is basic and polar, at codon 244 of the CFP protein (p.Glu244Lys). This variant is not present in population databases (gnomAD no frequency). This missense change has been observed in individual(s) with CFP-related conditions (PMID: 28264884). Advanced modeling of protein sequence and biophysical properties (such as structural, functional, and spatial information, amino acid conservation, physicochemical variation, residue mobility, and thermodynamic stability) performed at Invitae indicates that this missense variant is expected to disrupt CFP protein function with a positive predictive value of 80%. Experimental studies have shown that this missense change affects CFP function (PMID: 28264884). In summary, the available evidence is currently insufficient to determine the role of this variant in disease. Therefore, it has been classified as a Variant of Uncertain Significance.

Literature cited by the submitters: PubMed 28264884.

NM_001145252.3(CFP):c.730G>A (p.Glu244Lys)

Gene: CFP (complement factor properdin; minus strand). Cytogenetic location: Xp11.23.
Variant type: single nucleotide variant.
Coding change: c.730G>A on transcript NM_001145252.3 (MANE Select); coding-DNA position 730, G replaced by A.
Protein change: p.Glu244Lys; replaces glutamic acid 244 with lysine.
Molecular consequence: missense variant.
Genome position (GRCh38, 1-based): chrX:47,627,177, C>T on the plus strand (G>A on the coding strand, the complement: CFP is on the minus strand). VCF-style: chrX-47627177-C-T. GRCh37 (hg19) VCF-style: chrX-47486576-C-T.
Other names: c.730G>A, p.Glu244Lys (NM_002621.2); short protein forms E244K.
Identifiers: ClinVar variation 3609820 (VCV003609820.2).